The following is an entry in ClinVar:

NM_001374736.1(DST):c.21044A>G (p.Glu7015Gly)

Gene: DST (dystonin; minus strand). Cytogenetic location: 6p12.1.
Variant type: single nucleotide variant.
Coding change: c.21044A>G on transcript NM_001374736.1 (MANE Select); coding-DNA position 21044, A replaced by G.
Protein change: p.Glu7015Gly; replaces glutamic acid 7015 with glycine.
Molecular consequence: missense variant.
Genome position (GRCh38, 1-based): chr6:56,487,107, T>C on the plus strand (A>G on the coding strand, the complement: DST is on the minus strand). VCF-style: chr6-56487107-T-C. GRCh37 (hg19) VCF-style: chr6-56351905-T-C.
Other names: c.14687A>G, p.Glu4896Gly (NM_001144769.5); c.14273A>G, p.Glu4758Gly (NM_001144770.2); c.21044A>G, p.Glu7015Gly (NM_001374722.1); c.20084A>G, p.Glu6695Gly (NM_001374729.1); c.13826A>G, p.Glu4609Gly (NM_001374730.1); c.21071A>G, p.Glu7024Gly (NM_001374734.1); c.14153A>G, p.Glu4718Gly (NM_001386100.1, NM_183380.4); c.13175A>G, p.Glu4392Gly (NM_015548.5); short protein forms E4718G, E4758G, E4609G, E4896G, E7024G, E4392G, E6695G, E7015G.
Identifiers: ClinVar variation 2929263 (VCV002929263.3), dbSNP rs2095596322, ClinGen allele CA364512836.

ClinVar aggregate classification (germline): Uncertain significance (1 of 4 stars; one submission).

Conditions:
Hereditary sensory and autonomic neuropathy type 6. Also called: HSAN VI; Neuropathy, hereditary sensory and autonomic, type VI. Identifiers: Orphanet 314381, MedGen C3539003, MONDO:0013839, OMIM 614653.
Epidermolysis bullosa simplex 3, localized or generalized intermediate, with BP230 deficiency (EBS3). Also called: Epidermolysis bullosa simplex, autosomal recessive 2; Epidermolysis bullosa simplex due to BP230 deficiency. Identifiers: Orphanet 412181, MedGen C3809470, MONDO:0014180, OMIM 615425.

Allele frequency attached by ClinVar (database versions not stated): TOPMed below 0.00001.

Submission:

Labcorp Genetics (formerly Invitae), Labcorp
Classification: Uncertain significance for Epidermolysis bullosa simplex 3, localized or generalized intermediate, with BP230 deficiency; Hereditary sensory and autonomic neuropathy type 6. Last evaluated: 2023-03-03. Review status: criteria provided, single submitter. Criteria: Invitae Variant Classification Sherloc (09022015). Collection method: clinical testing. Allele origin: germline.
Comment: In summary, the available evidence is currently insufficient to determine the role of this variant in disease. Therefore, it has been classified as a Variant of Uncertain Significance. Experimental studies and prediction algorithms are not available or were not evaluated, and the functional significance of this variant is currently unknown. This variant has not been reported in the literature in individuals affected with DST-related conditions. This variant is not present in population databases (gnomAD no frequency). This sequence change replaces glutamic acid, which is acidic and polar, with glycine, which is neutral and non-polar, at codon 4392 of the DST protein (p.Glu4392Gly). The DST gene has multiple clinically relevant transcripts. This variant occurs in alternate transcript NM_015548.4, and corresponds to NM_001723.5:c.*128410A>G in the primary transcript.